The following is an entry in ClinVar:

NM_052947.4(ALPK2):c.6133G>A (p.Gly2045Arg)

Gene: ALPK2 (alpha kinase 2; minus strand). Cytogenetic location: 18q21.31.
Variant type: single nucleotide variant.
Coding change: c.6133G>A on transcript NM_052947.4 (MANE Select); coding-DNA position 6133, G replaced by A.
Protein change: p.Gly2045Arg; replaces glycine 2045 with arginine.
Molecular consequence: missense variant.
Genome position (GRCh38, 1-based): chr18:58,504,045, C>T on the plus strand (G>A on the coding strand, the complement: ALPK2 is on the minus strand). VCF-style: chr18-58504045-C-T. GRCh37 (hg19) VCF-style: chr18-56171277-C-T.
Other names: short protein forms G2045R.
Identifiers: ClinVar variation 1751802 (VCV001751802.3), dbSNP rs1205972936, ClinGen allele CA402544138.

ClinVar aggregate classification (germline): Uncertain significance (1 of 4 stars; one submission).

Allele frequency attached by ClinVar (database versions not stated): gnomAD exomes below 0.00001; gnomAD 0.00001; TOPMed 0.00002.
gnomAD v4.1: 4 of 1,614,060 alleles (0.00025%); highest among the groups gnomAD compares: Non-Finnish European, 0.00034%; no homozygotes.

Submission:

Ambry Genetics
Classification: Uncertain significance. Last evaluated: 2023-08-02. Review status: criteria provided, single submitter. Criteria: Ambry Variant Classification Scheme 2023. Collection method: clinical testing. Allele origin: germline.
Comment: The p.G2045R variant (also known as c.6133G>A), located in coding exon 10 of the ALPK2 gene, results from a G to A substitution at nucleotide position 6133. The glycine at codon 2045 is replaced by arginine, an amino acid with dissimilar properties. This amino acid position is conserved. In addition, the in silico prediction for this alteration is inconclusive. Since supporting evidence is limited at this time, the clinical significance of this alteration remains unclear.